The following is an entry in ClinVar:

NM_017841.4(SDHAF2):c.465C>T (p.Ala155=)

Gene: SDHAF2 (succinate dehydrogenase complex assembly factor 2; plus strand). Cytogenetic location: 11q12.2.
Variant type: single nucleotide variant.
Coding change: c.465C>T on transcript NM_017841.4 (MANE Select); coding-DNA position 465, C replaced by T.
Protein change: p.Ala155=; no amino-acid change (alanine 155 retained).
Molecular consequence: synonymous variant.
Genome position (GRCh38, 1-based): chr11:61,446,035, C>T. VCF-style: chr11-61446035-C-T. GRCh37 (hg19) VCF-style: chr11-61213507-C-T.
Identifiers: ClinVar variation 463829 (VCV000463829.16), dbSNP rs758154733, ClinGen allele CA059405.

ClinVar aggregate classification (germline): Conflicting classifications of pathogenicity. Review status: criteria provided, conflicting classifications (1 of 4 stars). 5 submissions from 5 submitters: Uncertain significance (1); Benign (1); Likely benign (3). Last evaluated 2026-08-05.

Conditions:
Hereditary cancer-predisposing syndrome. Also called: Hereditary Cancer Syndrome; Hereditary neoplastic syndrome; Neoplastic Syndromes, Hereditary; Tumor predisposition. Identifiers: Orphanet 140162, MedGen C0027672, MeSH D009386, MONDO:0015356.
Hereditary pheochromocytoma and paraganglioma. Also called: Hereditary Paraganglioma-Pheochromocytoma Syndromes; Hereditary paragangliomas and pheochromocytomas; Hereditary pheochromocytoma-paraganglioma. Identifiers: Orphanet 29072, MedGen C4274332, MONDO:0017366.
Pheochromocytoma/paraganglioma syndrome 2. Also called: GLOMUS TUMORS, FAMILIAL, 2; Paragangliomas 2; SDHAF2-Related Hereditary Paraganglioma-Pheochromocytoma Syndrome (Paragangliomas 2); SDHAF2-Related Hereditary Paraganglioma-Pheochromocytoma Syndrome. Identifiers: Orphanet 29072, MedGen C1866552, MONDO:0011121, OMIM 601650.

Allele frequency attached by ClinVar (database versions not stated): gnomAD exomes 0.00001 and 0.00004; TOPMed 0.00001; ExAC 0.00004; gnomAD 0.00005.
gnomAD v4.1: 15 of 1,614,018 alleles (0.00093%); highest among the groups gnomAD compares: East Asian, 0.033%; no homozygotes.

Submissions (5):

Myriad Genetics, Inc.
Classification: Benign for Pheochromocytoma/paraganglioma syndrome 2. Last evaluated: 2026-08-05. Review status: criteria provided, single submitter. Criteria: Myriad Autosomal Dominant, Autosomal Recessive and X-Linked Classification Criteria (2023). Collection method: clinical testing. Allele origin: unknown.
Comment: This variant is considered benign. This variant is a silent/synonymous amino acid change and it is not expected to impact splicing.

Color Diagnostics, LLC DBA Color Health
Classification: Likely benign for Hereditary pheochromocytoma and paraganglioma. Last evaluated: 2025-08-25. Review status: criteria provided, single submitter. Criteria: ACMG Guidelines, 2015. Collection method: clinical testing. Allele origin: germline.

Labcorp Genetics (formerly Invitae), Labcorp
Classification: Likely benign for Hereditary pheochromocytoma and paraganglioma. Last evaluated: 2025-06-14. Review status: criteria provided, single submitter. Criteria: Invitae Variant Classification Sherloc (09022015). Collection method: clinical testing. Allele origin: germline.

GeneDx
Classification: Uncertain significance. Last evaluated: 2022-05-26. Review status: criteria provided, single submitter. Criteria: GeneDx Variant Classification Process June 2021. Collection method: clinical testing. Allele origin: germline. Affected: yes.
Comment: In silico analysis supports that this variant does not alter splicing; Has not been previously published as pathogenic or benign to our knowledge

Ambry Genetics
Classification: Likely benign for Hereditary cancer-predisposing syndrome. Last evaluated: 2020-08-17. Review status: criteria provided, single submitter. Criteria: Ambry Variant Classification Scheme 2023. Collection method: clinical testing. Allele origin: germline.